The following is an entry in ClinVar:

ClinVar aggregate classification (germline): Likely benign (1 of 4 stars; one submission).

Conditions:
PLXNA3-related disorder. Also called: PLXNA3-related condition.

Submission:

PreventionGenetics, part of Exact Sciences
Classification: Likely benign for PLXNA3-related condition. Last evaluated: 2024-10-13. Review status: criteria provided, single submitter. Criteria: ACMG Guidelines, 2015. Collection method: clinical testing. Allele origin: germline.
Comment: This variant is classified as likely benign based on ACMG/AMP sequence variant interpretation guidelines (Richards et al. 2015 PMID: 25741868, with internal and published modifications).

NM_017514.5(PLXNA3):c.2019G>A (p.Gln673=)

Gene: PLXNA3 (plexin A3; plus strand). Cytogenetic location: Xq28.
Variant type: single nucleotide variant.
Coding change: c.2019G>A on transcript NM_017514.5 (MANE Select); coding-DNA position 2019, G replaced by A.
Protein change: p.Gln673=; no amino-acid change (glutamine 673 retained).
Molecular consequence: synonymous variant.
Genome position (GRCh38, 1-based): chrX:154,464,844, G>A. VCF-style: chrX-154464844-G-A. GRCh37 (hg19) VCF-style: chrX-153693187-G-A.
Identifiers: ClinVar variation 4997476 (VCV004997476.1).